The following is an entry in ClinVar:

NC_000005.9:g.(?_149240458)_(149265957_?)dup

Gene: PDE6A (phosphodiesterase 6A; minus strand). Cytogenetic location: 5q32.
Variant type: Duplication.
Identifiers: ClinVar variation 1062412 (VCV001062412.5).

ClinVar aggregate classification (germline): Uncertain significance (1 of 4 stars; one submission).

Submission:

Labcorp Genetics (formerly Invitae), Labcorp
Classification: Uncertain significance. Last evaluated: 2022-10-24. Review status: criteria provided, single submitter. Criteria: Invitae Variant Classification Sherloc (09022015). Collection method: clinical testing. Allele origin: germline.
Comment: This variant results in a copy number gain of the genomic region encompassing exon(s) 14-22 of the PDE6A gene. This region includes the termination codon of the gene. This copy number gain extends beyond the assayed region for this gene and therefore may encompass additional genes. As the precise location of this event is unknown, it may be in tandem or it may be located elsewhere in the genome. This variant has not been reported in the literature in individuals affected with PDE6A-related conditions. Experimental studies and prediction algorithms are not available or were not evaluated, and the functional significance of this variant is currently unknown. In summary, the available evidence is currently insufficient to determine the role of this variant in disease. Therefore, it has been classified as a Variant of Uncertain Significance.